The following is an entry in ClinVar:

NM_000051.4(ATM):c.5716C>T (p.Gln1906Ter)

Gene: ATM (ATM serine/threonine kinase; plus strand). Cytogenetic location: 11q22.3.
Variant type: single nucleotide variant.
Coding change: c.5716C>T on transcript NM_000051.4 (MANE Select); coding-DNA position 5716, C replaced by T.
Protein change: p.Gln1906Ter; replaces glutamine 1906 with a stop codon.
Molecular consequence: nonsense.
Genome position (GRCh38, 1-based): chr11:108,307,938, C>T. VCF-style: chr11-108307938-C-T. GRCh37 (hg19) VCF-style: chr11-108178665-C-T.
Other names: c.5716C>T, p.Gln1906Ter (NM_001351834.2); short protein forms Q1906*.
Identifiers: ClinVar variation 1352830 (VCV001352830.11), dbSNP rs2135976898, ClinGen allele CA382547914.

ClinVar aggregate classification (germline): Pathogenic/Likely pathogenic. Review status: criteria provided, multiple submitters, no conflicts (2 of 4 stars). 5 submissions from 5 submitters: Pathogenic (3); Likely pathogenic (1). 1 of the submissions does not count toward it. Last evaluated 2025-10-30.

Conditions:
Familial cancer of breast. Also called: BREAST CANCER, FAMILIAL; hereditary breast carcinoma; Hereditary breast cancer. Identifiers: Orphanet 227535, MedGen C0346153, MONDO:0016419, OMIM 114480. Disease mechanism: loss of function.
Hereditary cancer-predisposing syndrome. Also called: Hereditary Cancer Syndrome; Hereditary neoplastic syndrome; Tumor predisposition; Neoplastic Syndromes, Hereditary. Identifiers: Orphanet 140162, MedGen C0027672, MeSH D009386, MONDO:0015356.
Malignant tumor of urinary bladder. Also called: Urinary Bladder Neoplasms; Bladder cancer; Urinary bladder cancer. Identifiers: MedGen C0005684, MONDO:0001187, OMIM 109800.
Ataxia-telangiectasia syndrome (AT). Also called: ATAXIA-TELANGIECTASIA, COMPLEMENTATION GROUP A; ATAXIA-TELANGIECTASIA, FRESNO VARIANT; Ataxia-telangiectasia; Ataxia-telangiectasia, complementation group D; Ataxia-telangiectasia, complementation group E; Ataxia telangiectasia (A-T). Identifiers: Orphanet 100, MedGen C0004135, MONDO:0008840, OMIM 208900.

Submissions (5):

Ambry Genetics
Classification: Pathogenic for Hereditary cancer-predisposing syndrome. Last evaluated: 2025-10-30. Review status: criteria provided, single submitter. Criteria: Ambry Variant Classification Scheme 2023. Collection method: clinical testing. Allele origin: germline.
Comment: The p.Q1906* pathogenic mutation (also known as c.5716C>T), located in coding exon 37 of the ATM gene, results from a C to T substitution at nucleotide position 5716. This changes the amino acid from a glutamine to a stop codon within coding exon 37. This variant is considered to be rare based on population cohorts in the Genome Aggregation Database (gnomAD). This alteration is expected to result in loss of function by premature protein truncation or nonsense-mediated mRNA decay. As such, this alteration is interpreted as a disease-causing mutation.

Labcorp Genetics (formerly Invitae), Labcorp
Classification: Pathogenic for Ataxia-telangiectasia syndrome. Last evaluated: 2024-08-08. Review status: criteria provided, single submitter. Criteria: Invitae Variant Classification Sherloc (09022015). Collection method: clinical testing. Allele origin: germline.
Comment: This sequence change creates a premature translational stop signal (p.Gln1906*) in the ATM gene. It is expected to result in an absent or disrupted protein product. Loss-of-function variants in ATM are known to be pathogenic (PMID: 23807571, 25614872). This variant is not present in population databases (gnomAD no frequency). This variant has not been reported in the literature in individuals affected with ATM-related conditions. ClinVar contains an entry for this variant (Variation ID: 1352830). For these reasons, this variant has been classified as Pathogenic.

Myriad Genetics, Inc.
Classification: Pathogenic for Familial cancer of breast. Last evaluated: 2024-07-24. Review status: criteria provided, single submitter. Criteria: Myriad Autosomal Dominant, Autosomal Recessive and X-Linked Classification Criteria (2023). Collection method: clinical testing. Allele origin: unknown.
Comment: This variant is considered pathogenic. This variant creates a termination codon and is predicted to result in premature protein truncation.

Baylor Genetics
Classification: Likely pathogenic for Familial cancer of breast. Last evaluated: 2022-05-19. Review status: criteria provided, single submitter. Criteria: ACMG Guidelines, 2015. Collection method: clinical testing. Allele origin: unknown.

Laboratory of Urology, Hospital Clinic de Barcelona
Classification: Pathogenic for Malignant tumor of urinary bladder. Review status: no assertion criteria provided. Collection method: research. Allele origin: somatic. Affected: yes. Not counted in ClinVar's aggregate classification.

Literature cited by the submitters: PubMed 23807571 (cited by Labcorp Genetics (formerly Invitae), Labcorp); PubMed 25614872 (cited by Labcorp Genetics (formerly Invitae), Labcorp).